The following is an entry in ClinVar:

ClinVar aggregate classification (germline): Uncertain significance (0 of 4 stars; one submission).

Conditions:
PLXNA4-related disorder. Also called: PLXNA4-related condition.

gnomAD v4.1: 8 of 1,614,088 alleles (0.0005%); highest among the groups gnomAD compares: East Asian, 0.0045%; no homozygotes.

Submission:

PreventionGenetics, part of Exact Sciences
Classification: Uncertain significance for PLXNA4-related condition. Last evaluated: 2024-03-07. Review status: no assertion criteria provided. Collection method: clinical testing. Allele origin: germline.
Comment: The PLXNA4 c.1723G>A variant is predicted to result in the amino acid substitution p.Val575Met. To our knowledge, this variant has not been reported in the literature. This variant is reported in 0.0056% of alleles in individuals of East Asian descent in gnomAD. At this time, the clinical significance of this variant is uncertain due to the absence of conclusive functional and genetic evidence.

NM_020911.2(PLXNA4):c.1723G>A (p.Val575Met)

Gene: PLXNA4 (plexin A4; minus strand). Cytogenetic location: 7q32.3.
Variant type: single nucleotide variant.
Coding change: c.1723G>A on transcript NM_020911.2 (MANE Select); coding-DNA position 1723, G replaced by A.
Protein change: p.Val575Met; replaces valine 575 with methionine.
Molecular consequence: missense variant.
Genome position (GRCh38, 1-based): chr7:132,228,351, C>T on the plus strand (G>A on the coding strand, the complement: PLXNA4 is on the minus strand). VCF-style: chr7-132228351-C-T. GRCh37 (hg19) VCF-style: chr7-131913110-C-T.
Other names: c.1723G>A, p.Val575Met (NM_001393897.1); short protein forms V575M.
Identifiers: ClinVar variation 3349676 (VCV003349676.1).